The following is an entry in ClinVar:

ClinVar aggregate classification (germline): Uncertain significance. Review status: criteria provided, multiple submitters, no conflicts (2 of 4 stars). 2 submissions from 2 submitters: Uncertain significance (2). Last evaluated 2021-07-29.

Conditions:
Retinitis pigmentosa 12 (RP12). Also called: RP WITH OR WITHOUT PRESERVED PARAARTERIOLE RETINAL PIGMENT EPITHELIUM; RETINITIS PIGMENTOSA WITH OR WITHOUT PARAARTERIOLAR PRESERVATION OF RETINAL PIGMENT EPITHELIUM; RP WITH OR WITHOUT PPRPE. Identifiers: Orphanet 791, MedGen C1838647, MONDO:0010818, OMIM 600105.

Allele frequency attached by ClinVar (database versions not stated): gnomAD exomes below 0.00001.
gnomAD v4.1: 1 of 1,614,078 alleles (0.000062%); highest among the groups gnomAD compares: Non-Finnish European, 0.000085%; no homozygotes.

Submissions (2):

Blueprint Genetics
Classification: Uncertain significance. Last evaluated: 2021-07-29. Review status: criteria provided, single submitter. Criteria: ACMG Guidelines, 2015. Collection method: clinical testing. Allele origin: germline.

Dubai Health Genomic Medicine Center, Dubai Health
Classification: Uncertain significance for Retinitis pigmentosa 12. Last evaluated: 2020-07-01. Review status: criteria provided, single submitter. Criteria: ACMG Guidelines, 2015. Collection method: clinical testing. Allele origin: germline. Affected: yes.
Comment: The p.Asn858Ser missense variant in CRB1 has not been previously reported in individuals with disease and was absent from large population studies such as the Genome Aggregation Database (gnomAD) and the Greater Middle East (FME) Variome Database. One other missense variant at the same position (Asn858Lys) was identified in the heterozygous state in one patient with Leber Congenital amaurosis (PMID: 17964524). Conservation analysis and computational prediction tools suggest a possible impact to protein function though this information is not predictive enough to confirm pathogenicity. In summary more information is needed to fully assess the clinical significance of this variant.

NM_201253.3(CRB1):c.2573A>G (p.Asn858Ser)

Gene: CRB1 (crumbs cell polarity complex component 1; plus strand). Cytogenetic location: 1q31.3.
Variant type: single nucleotide variant.
Coding change: c.2573A>G on transcript NM_201253.3 (MANE Select); coding-DNA position 2573, A replaced by G.
Protein change: p.Asn858Ser; replaces asparagine 858 with serine.
Molecular consequence: missense variant. On other transcripts: non-coding transcript variant (2), intron variant (1).
Genome position (GRCh38, 1-based): chr1:197,427,898, A>G. VCF-style: chr1-197427898-A-G. GRCh37 (hg19) VCF-style: chr1-197397028-A-G.
Other names: c.2237A>G, p.Asn746Ser (NM_001193640.2); c.2366A>G, p.Asn789Ser (NM_001257965.2); c.2128+5942A>G (NM_001257966.2); short protein forms N746S, N789S, N858S.
Identifiers: ClinVar variation 1301834 (VCV001301834.3), dbSNP rs2125485150, ClinGen allele CA344038335.
Genomic context (GRCh38, chr1:197,427,898, plus strand): 5'-AGCAAGAGACTGAACTTAATGGTGGATTCTTCAAAGGCTGTATCCAAGATGTAAGACTAA[A>G]CAACCAAAATCTGGAATTCTTTCCAAATCCAACAAACAATGCATCTCTCAATCCAGTTCT-3'
Protein context (NP_957705.1, residues 848-868): FKGCIQDVRL[Asn858Ser]NQNLEFFPNP